The following is an entry in ClinVar:

NM_015102.5(NPHP4):c.2323C>T (p.Arg775Trp)

Gene: NPHP4 (nephrocystin 4; minus strand). Cytogenetic location: 1p36.31.
Variant type: single nucleotide variant.
Coding change: c.2323C>T on transcript NM_015102.5 (MANE Select); coding-DNA position 2323, C replaced by T.
Protein change: p.Arg775Trp; replaces arginine 775 with tryptophan.
Molecular consequence: missense variant. On other transcripts: non-coding transcript variant (1).
Genome position (GRCh38, 1-based): chr1:5,887,448, G>A on the plus strand (C>T on the coding strand, the complement: NPHP4 is on the minus strand). VCF-style: chr1-5887448-G-A. GRCh37 (hg19) VCF-style: chr1-5947508-G-A.
Other names: c.784C>T, p.Arg262Trp (NM_001291593.2); c.787C>T, p.Arg263Trp (NM_001291594.2); short protein forms R775W, R262W, R263W.
Identifiers: ClinVar variation 596273 (VCV000596273.15), dbSNP rs768582000, ClinGen allele CA554153.

ClinVar aggregate classification (germline): Uncertain significance. Review status: criteria provided, multiple submitters, no conflicts (2 of 4 stars). 4 submissions from 4 submitters: Uncertain significance (4). Last evaluated 2024-06-24.

Conditions:
Nephronophthisis. Also called: Juvenile Nephronophthisis. Identifiers: Orphanet 655, MedGen C0687120, MONDO:0019005, HP:0000090.
Kidney disorder. Also called: Kidney disease; Kidney Diseases; Nephropathy; renal disease; renal disorder. Identifiers: MedGen C0022658, MONDO:0005240, HP:0000112.
Nephronophthisis 4 (NPHP4). Also called: NEPHRONOPHTHISIS 4, JUVENILE. Identifiers: Orphanet 655, MedGen C1847013, MONDO:0011752, OMIM 606966.
Senior-Loken syndrome 4 (SLSN4). Identifiers: Orphanet 3156, MedGen C1846979, MONDO:0011756, OMIM 606996.

Allele frequency attached by ClinVar (database versions not stated): ExAC 0.00002; TOPMed 0.00003; gnomAD 0.00004 and 0.00005; gnomAD exomes 0.00005.

Submissions (4):

Fulgent Genetics
Classification: Uncertain significance for Nephronophthisis 4; Senior-Loken syndrome 4. Last evaluated: 2024-06-24. Review status: criteria provided, single submitter. Criteria: ACMG Guidelines, 2015. Collection method: clinical testing. Allele origin: germline.

Labcorp Genetics (formerly Invitae), Labcorp
Classification: Uncertain significance for Nephronophthisis. Last evaluated: 2022-08-08. Review status: criteria provided, single submitter. Criteria: Invitae Variant Classification Sherloc (09022015). Collection method: clinical testing. Allele origin: germline.
Comment: This sequence change replaces arginine, which is basic and polar, with tryptophan, which is neutral and slightly polar, at codon 775 of the NPHP4 protein (p.Arg775Trp). This variant is present in population databases (rs768582000, gnomAD 0.009%). This variant has not been reported in the literature in individuals affected with NPHP4-related conditions. ClinVar contains an entry for this variant (Variation ID: 596273). Algorithms developed to predict the effect of missense changes on protein structure and function are either unavailable or do not agree on the potential impact of this missense change (SIFT: "Deleterious"; PolyPhen-2: "Probably Damaging"; Align-GVGD: "Class C0"). In summary, the available evidence is currently insufficient to determine the role of this variant in disease. Therefore, it has been classified as a Variant of Uncertain Significance.

Eurofins Ntd Llc (ga)
Classification: Uncertain significance. Last evaluated: 2018-02-22. Review status: criteria provided, single submitter. Criteria: EGL ClinVar v180209 classification definitions. Collection method: clinical testing. Allele origin: germline. Observed: 2 variant alleles, 2 heterozygotes.

Genome Diagnostics Laboratory, The Hospital for Sick Children
Classification: Uncertain significance for Kidney disorder. Last evaluated: 2017-05-10. Review status: criteria provided, single submitter. Criteria: ACMG Guidelines, 2015. Collection method: clinical testing. Allele origin: germline.